The following is an entry in ClinVar:

ClinVar aggregate classification (germline): Pathogenic (1 of 4 stars; one submission).

Conditions:
Ehlers-Danlos syndrome, kyphoscoliotic type 1 (EDSKSCL1). Also called: EHLERS-DANLOS SYNDROME, TYPE VIA; PLOD1-Related Kyphoscoliotic Ehlers-Danlos Syndrome; EHLERS-DANLOS SYNDROME, OCULAR-SCOLIOTIC TYPE; Ehlers-Danlos syndrome, hydroxylysine-deficient. Identifiers: Orphanet 1900, MedGen C0268342, MONDO:0016002, OMIM 225400. Disease mechanism: loss of function.

Submission:

Labcorp Genetics (formerly Invitae), Labcorp
Classification: Pathogenic for Ehlers-Danlos syndrome, hydroxylysine-deficient. Last evaluated: 2019-10-08. Review status: criteria provided, single submitter. Criteria: Invitae Variant Classification Sherloc (09022015). Collection method: clinical testing. Allele origin: germline.
Comment: This variant is a gross duplication of the genomic region encompassing exons 10-16 of the PLOD1 gene. While the exact position of the duplicated exons cannot be determined from this data, the duplicated copy of this region is likely in tandem and in-frame, therefore preserving the integrity of the reading frame. Duplications encompassing exons 10-16 have been reported in the homozygous state or in trans with a pathogenic variant in several individuals affected with Ehlers-Danlos syndrome (PMID: 7977351, 8981946, 19320026, 25277362). In a screening of 291 control individuals from the U.S, this variant was only found in one allele (PMID: 8981946). Experimental studies and prediction algorithms are not available for this variant, and the functional significance of the duplicated exons is currently unknown. For these reasons, this variant has been classified as Pathogenic.

Literature cited by the submitters: PubMed 7977351; PubMed 19320026; PubMed 25277362; PubMed 8981946.

NC_000001.10:g.(?_12020693)_(12027158_?)dup

Gene: PLOD1 (procollagen-lysine,2-oxoglutarate 5-dioxygenase 1; plus strand). Cytogenetic location: 1p36.22.
Variant type: Duplication.
Identifiers: ClinVar variation 646377 (VCV000646377.2).